The following is an entry in ClinVar:

ClinVar aggregate classification (germline): Likely benign. Review status: criteria provided, multiple submitters, no conflicts (2 of 4 stars). 2 submissions from 2 submitters: Likely benign (2). Last evaluated 2024-11-18.

Allele frequency attached by ClinVar (database versions not stated): gnomAD 0.00001; TOPMed 0.00001; gnomAD exomes 0.00002 and 0.00003; ExAC 0.00005; 1000 Genomes Project 30x 0.00016; 1000 Genomes Project 0.00020.
gnomAD v4.1: 34 of 1,614,016 alleles (0.0021%); highest among the groups gnomAD compares: South Asian, 0.0099%; no homozygotes.

Submissions (2):

Labcorp Genetics (formerly Invitae), Labcorp
Classification: Likely benign. Last evaluated: 2024-11-18. Review status: criteria provided, single submitter. Criteria: Invitae Variant Classification Sherloc (09022015). Collection method: clinical testing. Allele origin: germline.

CeGaT Center for Human Genetics Tuebingen
Classification: Likely benign. Last evaluated: 2023-12-01. Review status: criteria provided, single submitter. Criteria: CeGaT Center For Human Genetics Tuebingen Variant Classification Criteria Version 2. Collection method: clinical testing. Allele origin: germline. Affected: yes. Observed: 1 variant allele.
Comment: KMT2A: BP4, BP7

NM_001197104.2(KMT2A):c.5754C>T (p.Asp1918=)

Gene: KMT2A (lysine methyltransferase 2A; plus strand). Cytogenetic location: 11q23.3.
Variant type: single nucleotide variant.
Coding change: c.5754C>T on transcript NM_001197104.2 (MANE Select); coding-DNA position 5754, C replaced by T.
Protein change: p.Asp1918=; no amino-acid change (aspartic acid 1918 retained).
Molecular consequence: synonymous variant.
Genome position (GRCh38, 1-based): chr11:118,498,025, C>T. VCF-style: chr11-118498025-C-T. GRCh37 (hg19) VCF-style: chr11-118368740-C-T.
Other names: c.5745C>T, p.Asp1915= (NM_005933.4).
Identifiers: ClinVar variation 1645670 (VCV001645670.30), dbSNP rs555459464, ClinGen allele CA6304104.